The following is an entry in ClinVar:

ClinVar aggregate classification (germline): Likely benign (1 of 4 stars; one submission).

Submission:

CeGaT Center for Human Genetics Tuebingen
Classification: Likely benign. Last evaluated: 2023-03-01. Review status: criteria provided, single submitter. Criteria: CeGaT Center For Human Genetics Tuebingen Variant Classification Criteria Version 2. Collection method: clinical testing. Allele origin: germline. Affected: yes. Observed: 1 variant allele.
Comment: TCP10L2: BP4, BP7

NC_000006.12:g.167181844G>A

Variant type: single nucleotide variant.
Genome position: GRCh38 VCF-style: chr6-167181844-G-A. GRCh37 (hg19) VCF-style: chr6-167595332-G-A.
Identifiers: ClinVar variation 2657128 (VCV002657128.23), dbSNP rs749682749, ClinGen allele CA4096573.
Genomic context (GRCh38, chr6:167,181,844, plus strand): 5'-GAAAAAGGAGGAAGTACAGGAAGAAAAACGACATCCAAATGGCAAGGCAGATGACTGCCG[G>A]CGGTCCGGTTTCCCGAGTGAATTTCCAGGAGCTCTGCATGCCGCTCCCTCCAGACAGGAC-3'